The following is an entry in ClinVar:

ClinVar aggregate classification (germline): Likely benign. Review status: criteria provided, multiple submitters, no conflicts (2 of 4 stars). 3 submissions from 3 submitters: Likely benign (3). Last evaluated 2025-12-16.

Conditions:
Hereditary cancer-predisposing syndrome. Also called: Hereditary Cancer Syndrome; Tumor predisposition; Neoplastic Syndromes, Hereditary; Hereditary neoplastic syndrome. Identifiers: Orphanet 140162, MedGen C0027672, MeSH D009386, MONDO:0015356.
Neuroblastoma, susceptibility to, 3. Also called: ALK-Related Neuroblastic Tumor Susceptibility. Identifiers: Orphanet 635, MedGen C2751681, MONDO:0013083, OMIM 613014.

Allele frequency attached by ClinVar (database versions not stated): gnomAD 0.00005 and 0.00007; TOPMed 0.00006; 1000 Genomes Project 0.00060; 1000 Genomes Project 30x 0.00062; ExAC 0.00005.
gnomAD v4.1: 87 of 1,614,218 alleles (0.0054%); highest among the groups gnomAD compares: South Asian, 0.021%; no homozygotes.

Submissions (3):

Labcorp Genetics (formerly Invitae), Labcorp
Classification: Likely benign for Neuroblastoma, susceptibility to, 3. Last evaluated: 2025-12-16. Review status: criteria provided, single submitter. Criteria: Invitae Variant Classification Sherloc (09022015). Collection method: clinical testing. Allele origin: germline.

CeGaT Center for Human Genetics Tuebingen
Classification: Likely benign. Last evaluated: 2025-08-01. Review status: criteria provided, single submitter. Criteria: CeGaT Center For Human Genetics Tuebingen Variant Classification Criteria Version 2. Collection method: clinical testing. Allele origin: germline. Affected: yes. Observed: 1 variant allele.
Comment: ALK: BP4, BP7

Ambry Genetics
Classification: Likely benign for Hereditary cancer-predisposing syndrome. Last evaluated: 2018-11-08. Review status: criteria provided, single submitter. Criteria: Ambry Variant Classification Scheme 2023. Collection method: clinical testing. Allele origin: germline.

NM_004304.5(ALK):c.2505G>A (p.Pro835=)

Gene: ALK (ALK receptor tyrosine kinase; minus strand). Cytogenetic location: 2p23.2.
Variant type: single nucleotide variant.
Coding change: c.2505G>A on transcript NM_004304.5 (MANE Select); coding-DNA position 2505, G replaced by A.
Protein change: p.Pro835=; no amino-acid change (proline 835 retained).
Molecular consequence: synonymous variant.
Genome position (GRCh38, 1-based): chr2:29,232,431, C>T on the plus strand (G>A on the coding strand, the complement: ALK is on the minus strand). VCF-style: chr2-29232431-C-T. GRCh37 (hg19) VCF-style: chr2-29455297-C-T.
Identifiers: ClinVar variation 538284 (VCV000538284.24), dbSNP rs201700728, ClinGen allele CA1594279.
Genomic context (GRCh38, chr2:29,232,431, plus strand): 5'-CGTGTCTGTCTTGGCCCCGTAGGCCCTGCCACCACCTCCGGCTGCAATGATCAGGGGCAC[C>T]GGCACTCCATCCTTCATCTGACCAGGGGAGACATTCAGACATTGAGAAACCGAGCTGTGC-3'
Protein context (NP_004295.2, residues 825-845): TYVFKMKDGV[Pro835=]VPLIIAAGGG